The following is an entry in ClinVar:

ClinVar aggregate classification (germline): Uncertain significance. Review status: criteria provided, multiple submitters, no conflicts (2 of 4 stars). 2 submissions from 2 submitters: Uncertain significance (2). Last evaluated 2023-05-20.

Conditions:
Marfan syndrome (MFS). Also called: MARFAN SYNDROME, TYPE I; FBN1-Related Marfan Syndrome; Marfan syndrome type 1; Marfan's syndrome; Marfan syndrome, classic. Identifiers: Orphanet 284963, Orphanet 558, MedGen C0024796, MONDO:0007947, OMIM 154700.
Familial thoracic aortic aneurysm and aortic dissection (TAAD). Also called: Thoracic aortic aneurysms and dissections. Identifiers: Orphanet 91387, MedGen C4707243, MONDO:0019625.

Submissions (2):

Labcorp Genetics (formerly Invitae), Labcorp
Classification: Uncertain significance for Marfan syndrome; Familial thoracic aortic aneurysm and aortic dissection. Last evaluated: 2023-05-20. Review status: criteria provided, single submitter. Criteria: Invitae Variant Classification Sherloc (09022015). Collection method: clinical testing. Allele origin: germline.
Comment: This variant has not been reported in the literature in individuals affected with FBN1-related conditions. An algorithm developed to predict the effect of missense changes on protein structure and function (PolyPhen-2) suggests that this variant is likely to be disruptive. In summary, the available evidence is currently insufficient to determine the role of this variant in disease. Therefore, it has been classified as a Variant of Uncertain Significance. This variant is not present in population databases (gnomAD no frequency). This sequence change replaces threonine, which is neutral and polar, with isoleucine, which is neutral and non-polar, at codon 1582 of the FBN1 protein (p.Thr1582Ile).

GeneDx
Classification: Uncertain significance. Last evaluated: 2023-02-09. Review status: criteria provided, single submitter. Criteria: GeneDx Variant Classification Process June 2021. Collection method: clinical testing. Allele origin: germline. Affected: yes.
Comment: Has not been previously published as pathogenic or benign to our knowledge; Not observed at significant frequency in large population cohorts (gnomAD); In silico analysis supports that this missense variant has a deleterious effect on protein structure/function; Does not affect a cysteine residue within a calcium-binding EGF-like domain or a TGF-binding protein domain of the FBN1 gene; cysteine substitutions in the calcium-binding EGF-like domains represent the majority of pathogenic missense changes associated with FBN1-related disorders (Collod-Beroud et al., 2003); This variant is associated with the following publications: (PMID: 12938084)

NM_000138.5(FBN1):c.4745C>T (p.Thr1582Ile)

Gene: FBN1 (fibrillin 1; minus strand). Cytogenetic location: 15q21.1.
Variant type: single nucleotide variant.
Coding change: c.4745C>T on transcript NM_000138.5 (MANE Select); coding-DNA position 4745, C replaced by T.
Protein change: p.Thr1582Ile; replaces threonine 1582 with isoleucine.
Molecular consequence: missense variant.
Genome position (GRCh38, 1-based): chr15:48,467,940, G>A on the plus strand (C>T on the coding strand, the complement: FBN1 is on the minus strand). VCF-style: chr15-48467940-G-A. GRCh37 (hg19) VCF-style: chr15-48760137-G-A.
Other names: c.4745C>T, p.Thr1582Ile (NM_001406716.1); short protein forms T1582I.
Identifiers: ClinVar variation 2575838 (VCV002575838.4), dbSNP rs1597548610, ClinGen allele CA392352673.